The following is an entry in ClinVar:

ClinVar aggregate classification (germline): Uncertain significance. Review status: criteria provided, multiple submitters, no conflicts (2 of 4 stars). 3 submissions from 3 submitters: Uncertain significance (3). Last evaluated 2025-09-01.

Conditions:
Inborn genetic diseases. Identifiers: MedGen C0950123, MeSH D030342.
Cenani-Lenz syndactyly syndrome. Also called: SYNDACTYLY, TYPE VII; CENANI SYNDACTYLISM. Identifiers: Orphanet 3258, MedGen C1859309, MONDO:0008931, OMIM 212780.
Congenital myasthenic syndrome 17. Identifiers: Orphanet 590, MedGen C4225377, MONDO:0014578, OMIM 616304.
Sclerosteosis 2 (SOST2). Identifiers: Orphanet 3152, MedGen C3280402, MONDO:0013679, OMIM 614305.

Allele frequency attached by ClinVar (database versions not stated): gnomAD exomes 0.00001; ExAC 0.00002; gnomAD 0.00002 and 0.00003; TOPMed 0.00002.
gnomAD v4.1: 5 of 1,614,092 alleles (0.00031%); highest among the groups gnomAD compares: Non-Finnish European, 0.00034%; no homozygotes.

Submissions (3):

Ambry Genetics
Classification: Uncertain significance for Inborn genetic diseases. Last evaluated: 2025-09-01. Review status: criteria provided, single submitter. Criteria: Ambry Variant Classification Scheme 2023. Collection method: clinical testing. Allele origin: germline.

Blueprint Genetics
Classification: Uncertain significance. Last evaluated: 2023-01-09. Review status: criteria provided, single submitter. Criteria: ACMG Guidelines, 2015. Collection method: clinical testing. Allele origin: germline.

Labcorp Genetics (formerly Invitae), Labcorp
Classification: Uncertain significance for Cenani-Lenz syndactyly syndrome; Sclerosteosis 2; Congenital myasthenic syndrome 17. Last evaluated: 2022-04-06. Review status: criteria provided, single submitter. Criteria: Invitae Variant Classification Sherloc (09022015). Collection method: clinical testing. Allele origin: germline.
Comment: This sequence change replaces phenylalanine, which is neutral and non-polar, with leucine, which is neutral and non-polar, at codon 275 of the LRP4 protein (p.Phe275Leu). This variant is present in population databases (rs772586265, gnomAD 0.002%). This variant has not been reported in the literature in individuals affected with LRP4-related conditions. Advanced modeling of protein sequence and biophysical properties (such as structural, functional, and spatial information, amino acid conservation, physicochemical variation, residue mobility, and thermodynamic stability) performed at Invitae indicates that this missense variant is expected to disrupt LRP4 protein function. In summary, the available evidence is currently insufficient to determine the role of this variant in disease. Therefore, it has been classified as a Variant of Uncertain Significance.

NM_002334.4(LRP4):c.825C>A (p.Phe275Leu)

Gene: LRP4 (LDL receptor related protein 4; minus strand). Cytogenetic location: 11p11.2.
Variant type: single nucleotide variant.
Coding change: c.825C>A on transcript NM_002334.4 (MANE Select); coding-DNA position 825, C replaced by A.
Protein change: p.Phe275Leu; replaces phenylalanine 275 with leucine.
Molecular consequence: missense variant.
Genome position (GRCh38, 1-based): chr11:46,896,966, G>T on the plus strand (C>A on the coding strand, the complement: LRP4 is on the minus strand). VCF-style: chr11-46896966-G-T. GRCh37 (hg19) VCF-style: chr11-46918517-G-T.
Other names: c.825C>A (NM_002334.3); short protein forms F275L.
Identifiers: ClinVar variation 1422379 (VCV001422379.5), dbSNP rs772586265, ClinGen allele CA5970357.
Genomic context (GRCh38, chr11:46,896,966, plus strand): 5'-ACAGTCGTCCTCCCCATCACAGCGCCAGGACAGGCGGACACAGCGGCCTGAGTGACAGCG[G>T]AACTGTTCTGCCGTACACATGGAGGTGGCTGGGCAAAGCAAAGGCTTAATGAAAGGTGGG-3'
Protein context (NP_002325.2, residues 265-285): CTTSMCTAEQ[Phe275Leu]RCHSGRCVRL